The following is an entry in ClinVar:

NM_003842.5(TNFRSF10B):c.300A>G (p.Gly100=)

Gene: TNFRSF10B (TNF receptor superfamily member 10b; minus strand). Cytogenetic location: 8p21.3.
Variant type: single nucleotide variant.
Coding change: c.300A>G on transcript NM_003842.5 (MANE Select); coding-DNA position 300, A replaced by G.
Protein change: p.Gly100=; no amino-acid change (glycine 100 retained).
Molecular consequence: synonymous variant. On other transcripts: non-coding transcript variant (1).
Genome position (GRCh38, 1-based): chr8:23,030,823, T>C on the plus strand (A>G on the coding strand, the complement: TNFRSF10B is on the minus strand). VCF-style: chr8-23030823-T-C. GRCh37 (hg19) VCF-style: chr8-22888336-T-C.
Other names: c.300A>G, p.Gly100= (NM_147187.3).
Identifiers: ClinVar variation 3040635 (VCV003040635.2), dbSNP rs1046229411, ClinGen allele CA173900086.

ClinVar aggregate classification (germline): Likely benign (0 of 4 stars; one submission).

Conditions:
TNFRSF10B-related disorder. Also called: TNFRSF10B-related condition.

Allele frequency attached by ClinVar (database versions not stated): gnomAD exomes below 0.00001.
gnomAD v4.1: 6 of 1,613,092 alleles (0.00037%); highest among the groups gnomAD compares: African/African-American, 0.008%; no homozygotes.

Submission:

PreventionGenetics, part of Exact Sciences
Classification: Likely benign for TNFRSF10B-related condition. Last evaluated: 2019-09-17. Review status: no assertion criteria provided. Collection method: clinical testing. Allele origin: germline.
Comment: This variant is classified as likely benign based on ACMG/AMP sequence variant interpretation guidelines (Richards et al. 2015 PMID: 25741868, with internal and published modifications).